The following is an entry in ClinVar:

NM_025114.4(CEP290):c.6005A>G (p.Tyr2002Cys)

Gene: CEP290 (centrosomal protein 290; minus strand). Cytogenetic location: 12q21.32.
Variant type: single nucleotide variant.
Coding change: c.6005A>G on transcript NM_025114.4 (MANE Select); coding-DNA position 6005, A replaced by G.
Protein change: p.Tyr2002Cys; replaces tyrosine 2002 with cysteine.
Molecular consequence: missense variant.
Genome position (GRCh38, 1-based): chr12:88,071,300, T>C on the plus strand (A>G on the coding strand, the complement: CEP290 is on the minus strand). VCF-style: chr12-88071300-T-C. GRCh37 (hg19) VCF-style: chr12-88465077-T-C.
Other names: short protein forms Y2002C.
Identifiers: ClinVar variation 699371 (VCV000699371.15), dbSNP rs573872325, ClinGen allele CA6711609.

ClinVar aggregate classification (germline): Likely benign. Review status: criteria provided, multiple submitters, no conflicts (2 of 4 stars). 4 submissions from 4 submitters: Likely benign (2). 2 of the submissions do not count toward it. Last evaluated 2026-01-05.

Conditions:
CEP290-related disorder. Also called: CEP290-related condition; CEP290-related disorders. Identifiers: MedGen CN239314.
Nephronophthisis. Also called: Juvenile Nephronophthisis. Identifiers: Orphanet 655, MedGen C0687120, MONDO:0019005, HP:0000090.
Meckel-Gruber syndrome. Also called: DYSENCEPHALIA SPLANCHNOCYSTICA; GRUBER SYNDROME; Dysencephalia splachnocystica. Identifiers: Orphanet 564, MedGen C0265215, MONDO:0018921.
Joubert syndrome. Also called: JOUBERT-BOLTSHAUSER SYNDROME; Familial aplasia of the vermis. Identifiers: Orphanet 475, MedGen C5979921, MONDO:0018772.
Leber congenital amaurosis (LCA). Also called: Leber's amaurosis. Identifiers: Orphanet 65, MedGen C0339527, MeSH D057130, MONDO:0018998.

Allele frequency attached by ClinVar (database versions not stated): gnomAD exomes 0.00004 and 0.00029; gnomAD 0.00010 and 0.00011; TOPMed 0.00015; 1000 Genomes Project 30x 0.00016; 1000 Genomes Project 0.00020; ExAC 0.00036.
gnomAD v4.1: 74 of 1,603,034 alleles (0.0046%); highest among the groups gnomAD compares: East Asian, 0.13%; no homozygotes.

Submissions (4):

Labcorp Genetics (formerly Invitae), Labcorp
Classification: Likely benign for Joubert syndrome; Meckel-Gruber syndrome; Nephronophthisis. Last evaluated: 2026-01-05. Review status: criteria provided, single submitter. Criteria: Invitae Variant Classification Sherloc (09022015). Collection method: clinical testing. Allele origin: germline.

Blueprint Genetics
Classification: Likely benign. Last evaluated: 2023-07-25. Review status: criteria provided, single submitter. Criteria: ACMG Guidelines, 2015. Collection method: clinical testing. Allele origin: germline.

PreventionGenetics, part of Exact Sciences
Classification: Likely benign for CEP290-related condition. Last evaluated: 2022-04-11. Review status: no assertion criteria provided. Collection method: clinical testing. Allele origin: germline. Not counted in ClinVar's aggregate classification.
Comment: This variant is classified as likely benign based on ACMG/AMP sequence variant interpretation guidelines (Richards et al. 2015 PMID: 25741868, with internal and published modifications).

Natera, Inc.
Classification: Uncertain significance for Leber congenital amaurosis. Last evaluated: 2020-04-17. Review status: no assertion criteria provided. Collection method: clinical testing. Allele origin: germline. Not counted in ClinVar's aggregate classification.